The following is an entry in ClinVar:

NM_007255.3(B4GALT7):c.957C>T (p.Thr319=)

Gene: B4GALT7 (beta-1,4-galactosyltransferase 7; plus strand). Cytogenetic location: 5q35.3.
Variant type: single nucleotide variant.
Coding change: c.957C>T on transcript NM_007255.3 (MANE Select); coding-DNA position 957, C replaced by T.
Protein change: p.Thr319=; no amino-acid change (threonine 319 retained).
Molecular consequence: synonymous variant.
Genome position (GRCh38, 1-based): chr5:177,609,668, C>T. VCF-style: chr5-177609668-C-T. GRCh37 (hg19) VCF-style: chr5-177036669-C-T.
Identifiers: ClinVar variation 1557133 (VCV001557133.22), dbSNP rs138973879, ClinGen allele CA3586753.
Genomic context (GRCh38, chr5:177,609,668, plus strand): 5'-CCTGTCTGTGGGCGGGGCCCCCTGCACTGTCCTCAACATCATGTTGGACTGTGACAAGAC[C>T]GCCACACCCTGGTGCACATTCAGCTGAGCTGGATGGACAGTGAGGAAGCCTGTACCTACA-3'
Protein context (NP_009186.1, residues 309-327): VLNIMLDCDK[Thr319=]ATPWCTFS

ClinVar aggregate classification (germline): Likely benign. Review status: criteria provided, multiple submitters, no conflicts (2 of 4 stars). 3 submissions from 3 submitters: Likely benign (3). Last evaluated 2026-02-04.

Conditions:
Spondylodysplastic Ehlers-Danlos syndrome. Identifiers: Orphanet 536471, Orphanet 75496, MedGen C5680154, MONDO:0007526.

Allele frequency attached by ClinVar (database versions not stated): ESP Exome Variant Server 0.00015.
gnomAD v4.1: 63 of 1,613,042 alleles (0.0039%); highest among the groups gnomAD compares: Middle Eastern, 0.017%; no homozygotes.

Submissions (3):

Labcorp Genetics (formerly Invitae), Labcorp
Classification: Likely benign for Spondylodysplastic Ehlers-Danlos syndrome. Last evaluated: 2026-02-04. Review status: criteria provided, single submitter. Criteria: Invitae Variant Classification Sherloc (09022015). Collection method: clinical testing. Allele origin: germline.

Women's Health and Genetics/Laboratory Corporation of America, LabCorp
Classification: Likely benign. Last evaluated: 2025-03-17. Review status: criteria provided, single submitter. Criteria: LabCorp Variant Classification Summary - May 2015. Collection method: clinical testing. Allele origin: germline.

CeGaT Center for Human Genetics Tuebingen
Classification: Likely benign. Last evaluated: 2024-12-01. Review status: criteria provided, single submitter. Criteria: CeGaT Center For Human Genetics Tuebingen Variant Classification Criteria Version 2. Collection method: clinical testing. Allele origin: germline. Affected: yes. Observed: 1 variant allele.
Comment: B4GALT7: BP4, BP7